The following is an entry in ClinVar:

ClinVar aggregate classification (germline): Benign/Likely benign. Review status: criteria provided, multiple submitters, no conflicts (2 of 4 stars). 8 submissions from 8 submitters: Benign (4); Likely benign (4). Last evaluated 2026-02-03.

Conditions:
Hereditary cancer-predisposing syndrome. Also called: Tumor predisposition; Hereditary Cancer Syndrome; Hereditary neoplastic syndrome; Neoplastic Syndromes, Hereditary. Identifiers: Orphanet 140162, MedGen C0027672, MeSH D009386, MONDO:0015356.
BAP1-related tumor predisposition syndrome (TPDS1). Also called: TUMOR PREDISPOSITION SYNDROME 1; Tumor susceptibility linked to germline BAP1 mutations; BAP1 tumor predisposition syndrome; COMMON Syndrome. Identifiers: Orphanet 289539, MedGen C3280492, MONDO:0013692, OMIM 614327.

Allele frequency attached by ClinVar (database versions not stated): gnomAD exomes 0.00007 and 0.00017; ExAC 0.00021; gnomAD 0.00056; TOPMed 0.00060; ESP Exome Variant Server 0.00062; 1000 Genomes Project 0.00120; 1000 Genomes Project 30x 0.00141.
gnomAD v4.1: 192 of 1,614,104 alleles (0.012%); highest among the groups gnomAD compares: African/African-American, 0.23%; 2 homozygotes.

Submissions (8):

Labcorp Genetics (formerly Invitae), Labcorp
Classification: Benign for BAP1-related tumor predisposition syndrome. Last evaluated: 2026-02-03. Review status: criteria provided, single submitter. Criteria: Invitae Variant Classification Sherloc (09022015). Collection method: clinical testing. Allele origin: germline.

Blueprint Genetics
Classification: Likely benign. Last evaluated: 2024-07-18. Review status: criteria provided, single submitter. Criteria: ACMG Guidelines, 2015. Collection method: clinical testing. Allele origin: germline.

Myriad Genetics, Inc.
Classification: Benign for BAP1-related tumor predisposition syndrome. Last evaluated: 2024-07-16. Review status: criteria provided, single submitter. Criteria: Myriad Autosomal Dominant, Autosomal Recessive and X-Linked Classification Criteria (2023). Collection method: clinical testing. Allele origin: unknown.
Comment: This variant is considered benign. This variant is a silent/synonymous amino acid change and it is not expected to impact splicing.

Quest Diagnostics Nichols Institute San Juan Capistrano
Classification: Benign. Last evaluated: 2022-09-10. Review status: criteria provided, single submitter. Criteria: Quest Diagnostics criteria. Collection method: clinical testing. Allele origin: unknown.

Sema4
Classification: Benign for Hereditary cancer-predisposing syndrome. Last evaluated: 2021-12-15. Review status: criteria provided, single submitter. Criteria: Sema4 Curation Guidelines. Collection method: curation. Allele origin: germline.

GeneDx
Classification: Likely benign. Last evaluated: 2020-09-16. Review status: criteria provided, single submitter. Criteria: GeneDx Variant Classification Process June 2021. Collection method: clinical testing. Allele origin: germline. Affected: yes.

Color Diagnostics, LLC DBA Color Health
Classification: Likely benign for Hereditary cancer-predisposing syndrome. Last evaluated: 2016-03-09. Review status: criteria provided, single submitter. Criteria: ACMG Guidelines, 2015. Collection method: clinical testing. Allele origin: germline.

Ambry Genetics
Classification: Likely benign for Hereditary cancer-predisposing syndrome. Last evaluated: 2015-07-01. Review status: criteria provided, single submitter. Criteria: Ambry Variant Classification Scheme 2023. Collection method: clinical testing. Allele origin: germline.

NM_004656.4(BAP1):c.1320G>A (p.Leu440=)

Gene: BAP1 (BRCA1 associated deubiquitinase 1; minus strand). Cytogenetic location: 3p21.1.
Variant type: single nucleotide variant.
Coding change: c.1320G>A on transcript NM_004656.4 (MANE Select); coding-DNA position 1320, G replaced by A.
Protein change: p.Leu440=; no amino-acid change (leucine 440 retained).
Molecular consequence: synonymous variant.
Genome position (GRCh38, 1-based): chr3:52,403,825, C>T on the plus strand (G>A on the coding strand, the complement: BAP1 is on the minus strand). VCF-style: chr3-52403825-C-T. GRCh37 (hg19) VCF-style: chr3-52437841-C-T.
Other names: c.1320G>A (LRG_529t1).
Identifiers: ClinVar variation 417293 (VCV000417293.23), dbSNP rs77722216, ClinGen allele CA2436830.